The following is an entry in ClinVar:

NM_017755.6(NSUN2):c.2300G>A (p.Arg767Gln)

Gene: NSUN2 (NOP2/Sun RNA methyltransferase 2; minus strand). Cytogenetic location: 5p15.31.
Variant type: single nucleotide variant.
Coding change: c.2300G>A on transcript NM_017755.6 (MANE Select); coding-DNA position 2300, G replaced by A.
Protein change: p.Arg767Gln; replaces arginine 767 with glutamine.
Molecular consequence: missense variant. On other transcripts: non-coding transcript variant (1).
Genome position (GRCh38, 1-based): chr5:6,599,930, C>T on the plus strand (G>A on the coding strand, the complement: NSUN2 is on the minus strand). VCF-style: chr5-6599930-C-T. GRCh37 (hg19) VCF-style: chr5-6600043-C-T.
Other names: c.2195G>A, p.Arg732Gln (NM_001193455.2); short protein forms R767Q, R732Q.
Identifiers: ClinVar variation 211761 (VCV000211761.56), dbSNP rs140673211, ClinGen allele CA207716.

ClinVar aggregate classification (germline): Conflicting classifications of pathogenicity. Review status: criteria provided, conflicting classifications (1 of 4 stars). 9 submissions from 9 submitters: Uncertain significance (1); Likely benign (7). 1 of the submissions does not count toward it. Last evaluated 2026-08-01.

Conditions:
NSUN2-related disorder. Also called: NSUN2-related condition.
Inborn genetic diseases. Identifiers: MedGen C0950123, MeSH D030342.
Intellectual developmental disorder, autosomal recessive 5. Also called: Intellectual disability, autosomal recessive 5. Identifiers: Orphanet 88616, MedGen C1970199, MONDO:0012613, OMIM 611091.

Allele frequency attached by ClinVar (database versions not stated): 1000 Genomes Project 0.00180; 1000 Genomes Project 30x 0.00219; TOPMed 0.00343; ExAC 0.00348; gnomAD exomes 0.00357 and 0.00548; gnomAD 0.00358 and 0.00371; ESP Exome Variant Server 0.00423.
gnomAD v4.1: 8,523 of 1,612,266 alleles (0.53%); highest among the groups gnomAD compares: Non-Finnish European, 0.63%; 29 homozygotes.

Submissions (9):

CeGaT Center for Human Genetics Tuebingen
Classification: Likely benign. Last evaluated: 2026-08-01. Review status: criteria provided, single submitter. Criteria: CeGaT Center For Human Genetics Tuebingen Variant Classification Criteria Version 2. Collection method: clinical testing. Allele origin: germline. Affected: yes. Observed: 21 variant alleles.
Comment: NSUN2: BP4, BS2

Labcorp Genetics (formerly Invitae), Labcorp
Classification: Likely benign. Last evaluated: 2026-02-03. Review status: criteria provided, single submitter. Criteria: Invitae Variant Classification Sherloc (09022015). Collection method: clinical testing. Allele origin: germline.

Blueprint Genetics
Classification: Likely benign. Last evaluated: 2024-11-26. Review status: criteria provided, single submitter. Criteria: ACMG Guidelines, 2015. Collection method: clinical testing. Allele origin: germline.

GeneDx
Classification: Likely benign. Last evaluated: 2023-12-13. Review status: criteria provided, single submitter. Criteria: GeneDx Variant Classification Process June 2021. Collection method: clinical testing. Allele origin: germline. Affected: yes.
Comment: See Variant Classification Assertion Criteria.

Ambry Genetics
Classification: Uncertain significance for Inborn genetic diseases. Last evaluated: 2018-12-07. Review status: criteria provided, single submitter. Criteria: Ambry Variant Classification Scheme 2023. Collection method: clinical testing. Allele origin: germline.
Comment: The p.R767Q variant (also known as c.2300G>A), located in coding exon 19 of the NSUN2 gene, results from a G to A substitution at nucleotide position 2300. The arginine at codon 767 is replaced by glutamine, an amino acid with highly similar properties. This amino acid position is not well conserved in available vertebrate species. In addition, this alteration is predicted to be tolerated by in silico analysis. Since supporting evidence is limited at this time, the clinical significance of this variant remains unclear.

Illumina Laboratory Services, Illumina
Classification: Likely benign for Intellectual developmental disorder, autosomal recessive 5. Last evaluated: 2018-01-13. Review status: criteria provided, single submitter. Criteria: ICSL Variant Classification Criteria 13 December 2019. Collection method: clinical testing. Allele origin: germline.
Comment: This variant was observed in the ICSL laboratory as part of a predisposition screen in an ostensibly healthy population. It had not been previously curated by ICSL or reported in the Human Gene Mutation Database (HGMD: prior to June 1st, 2018), and was therefore a candidate for classification through an automated scoring system. Utilizing variant allele frequency, disease prevalence and penetrance estimates, and inheritance mode, an automated score was calculated to assess if this variant is too frequent to cause the disease. Based on the score and internal cut-off values, a variant classified as likely benign is not then subjected to further curation. The score for this variant resulted in a classification of likely benign for this disease.

Center for Pediatric Genomic Medicine, Children's Mercy Hospital and Clinics
Classification: Likely benign. Last evaluated: 2016-12-27. Review status: criteria provided, single submitter. Criteria: ACMG Guidelines, 2015. Collection method: clinical testing. Allele origin: germline.
ClinVar note: Converted during submission from Likely Benign to Likely benign.

Genetic Services Laboratory, University of Chicago
Classification: Likely benign. Last evaluated: 2015-07-22. Review status: criteria provided, single submitter. Criteria: ACMG Guidelines, 2015. Collection method: clinical testing. Allele origin: germline.

PreventionGenetics, part of Exact Sciences
Classification: Likely benign for NSUN2-related condition. Last evaluated: 2020-03-31. Review status: no assertion criteria provided. Collection method: clinical testing. Allele origin: germline. Not counted in ClinVar's aggregate classification.
Comment: This variant is classified as likely benign based on ACMG/AMP sequence variant interpretation guidelines (Richards et al. 2015 PMID: 25741868, with internal and published modifications).